The following is an entry in ClinVar:

ClinVar aggregate classification (germline): Uncertain significance (1 of 4 stars; one submission).

Conditions:
Hajdu-Cheney syndrome (HJCYS). Also called: Acroosteolysis dominant type; SERPENTINE FIBULA-POLYCYSTIC KIDNEY SYNDROME; ACROOSTEOLYSIS WITH OSTEOPOROSIS AND CHANGES IN SKULL AND MANDIBLE. Identifiers: Orphanet 955, MedGen C0917715, MONDO:0007057, OMIM 102500.

Submission:

Labcorp Genetics (formerly Invitae), Labcorp
Classification: Uncertain significance for Hajdu-Cheney syndrome. Last evaluated: 2024-12-04. Review status: criteria provided, single submitter. Criteria: Invitae Variant Classification Sherloc (09022015). Collection method: clinical testing. Allele origin: germline.
Comment: This sequence change replaces lysine, which is basic and polar, with asparagine, which is neutral and polar, at codon 2102 of the NOTCH2 protein (p.Lys2102Asn). This variant is not present in population databases (gnomAD no frequency). This variant has not been reported in the literature in individuals affected with NOTCH2-related conditions. Invitae Evidence Modeling of protein sequence and biophysical properties (such as structural, functional, and spatial information, amino acid conservation, physicochemical variation, residue mobility, and thermodynamic stability) indicates that this missense variant is not expected to disrupt NOTCH2 protein function with a negative predictive value of 80%. In summary, the available evidence is currently insufficient to determine the role of this variant in disease. Therefore, it has been classified as a Variant of Uncertain Significance.

NM_024408.4(NOTCH2):c.6306G>C (p.Lys2102Asn)

Gene: NOTCH2 (notch receptor 2; minus strand). Cytogenetic location: 1p12.
Variant type: single nucleotide variant.
Coding change: c.6306G>C on transcript NM_024408.4 (MANE Select); coding-DNA position 6306, G replaced by C.
Protein change: p.Lys2102Asn; replaces lysine 2102 with asparagine.
Molecular consequence: missense variant.
Genome position (GRCh38, 1-based): chr1:119,916,416, C>G on the plus strand (G>C on the coding strand, the complement: NOTCH2 is on the minus strand). VCF-style: chr1-119916416-C-G. GRCh37 (hg19) VCF-style: chr1-120459039-C-G.
Other names: short protein forms K2102N.
Identifiers: ClinVar variation 3719658 (VCV003719658.2).